The following is an entry in ClinVar:

ClinVar aggregate classification (germline): Uncertain significance (1 of 4 stars; one submission).

Conditions:
ITGA2-related disorder. Also called: ITGA2-related condition.

Submission:

PreventionGenetics, part of Exact Sciences
Classification: Uncertain significance for ITGA2-related condition. Last evaluated: 2026-07-05. Review status: criteria provided, single submitter. Criteria: ACMG Guidelines, 2015. Collection method: clinical testing. Allele origin: germline.
Comment: The ITGA2 c.3347C>T variant is predicted to result in the amino acid substitution p.Thr1116Met. This variant, also called Swi(a) alloantigen, has been reported in a family with fetal/neonatal alloimmune thrombocytopaenia (Kroll et al. 2011. PubMed ID: 21332723). This variant is reported in 0.0050% of alleles in individuals of East Asian descent in gnomAD. At this time, the clinical significance of this variant is uncertain due to the absence of conclusive functional and genetic evidence.

NM_002203.4(ITGA2):c.3347C>T (p.Thr1116Met)

Gene: ITGA2 (integrin subunit alpha 2; plus strand). Cytogenetic location: 5q11.2.
Variant type: single nucleotide variant.
Coding change: c.3347C>T on transcript NM_002203.4 (MANE Select); coding-DNA position 3347, C replaced by T.
Protein change: p.Thr1116Met; replaces threonine 1116 with methionine.
Molecular consequence: missense variant. On other transcripts: non-coding transcript variant (5).
Genome position (GRCh38, 1-based): chr5:53,087,040, C>T. VCF-style: chr5-53087040-C-T. GRCh37 (hg19) VCF-style: chr5-52382870-C-T.
Other names: short protein forms T1116M.
Identifiers: ClinVar variation 4990411 (VCV004990411.1).